The following is an entry in ClinVar:

ClinVar aggregate classification (germline): Uncertain significance (1 of 4 stars; one submission).

Allele frequency attached by ClinVar (database versions not stated): TOPMed below 0.00001; gnomAD 0.00001 and 0.00002; gnomAD exomes 0.00009; ExAC 0.00011.
gnomAD v4.1: 58 of 1,613,914 alleles (0.0036%); highest among the groups gnomAD compares: South Asian, 0.042%; no homozygotes.

Submission:

Labcorp Genetics (formerly Invitae), Labcorp
Classification: Uncertain significance. Last evaluated: 2022-08-15. Review status: criteria provided, single submitter. Criteria: Invitae Variant Classification Sherloc (09022015). Collection method: clinical testing. Allele origin: germline.
Comment: This sequence change replaces alanine, which is neutral and non-polar, with threonine, which is neutral and polar, at codon 854 of the LAMC3 protein (p.Ala854Thr). This variant is present in population databases (rs769637756, gnomAD 0.06%). This variant has not been reported in the literature in individuals affected with LAMC3-related conditions. ClinVar contains an entry for this variant (Variation ID: 1404341). Algorithms developed to predict the effect of missense changes on protein structure and function are either unavailable or do not agree on the potential impact of this missense change (SIFT: "Tolerated"; PolyPhen-2: "Possibly Damaging"; Align-GVGD: "Class C0"). In summary, the available evidence is currently insufficient to determine the role of this variant in disease. Therefore, it has been classified as a Variant of Uncertain Significance.

NM_006059.4(LAMC3):c.2560G>A (p.Ala854Thr)

Gene: LAMC3 (laminin subunit gamma 3; plus strand). Cytogenetic location: 9q34.12.
Variant type: single nucleotide variant.
Coding change: c.2560G>A on transcript NM_006059.4 (MANE Select); coding-DNA position 2560, G replaced by A.
Protein change: p.Ala854Thr; replaces alanine 854 with threonine.
Molecular consequence: missense variant.
Genome position (GRCh38, 1-based): chr9:131,067,172, G>A. VCF-style: chr9-131067172-G-A. GRCh37 (hg19) VCF-style: chr9-133942559-G-A.
Other names: short protein forms A854T.
Identifiers: ClinVar variation 1404341 (VCV001404341.4), dbSNP rs769637756, ClinGen allele CA5287472.